The following is an entry in ClinVar:

NM_001360016.2(G6PD):c.102CAT[2] (p.Ile36del)

Genes: G6PD (glucose-6-phosphate dehydrogenase; minus strand), IKBKG (inhibitor of nuclear factor kappa B kinase regulatory subunit gamma; plus strand). Cytogenetic location: Xq28.
Variant type: Microsatellite.
Coding change: c.102CAT[2] on transcript NM_001360016.2 (MANE Select); two copies in a row of the 3-base unit CAT starting at c.102; the reference has three copies in a row; one copy, 3 bases deleted.
Protein change: p.Ile36del; deletes isoleucine 36.
Molecular consequence: inframe deletion. On other transcripts: intron variant (4).
Genome position (GRCh38, 1-based): chrX:154,546,046-154,546,048, ATG deleted on the plus strand (CAT on the coding strand, the reverse complement: G6PD is on the minus strand); deleting any 3 consecutive bases within chrX:154,546,046-154,546,055 gives the same sequence; the position shown is the placement nearest the transcript's 3' end. VCF-style (leftmost placement, unchanged base first): chrX-154546045-CATG-C. GRCh37 (hg19) VCF-style: chrX-153774260-CATG-C.
Other names: G6PD, ILE35DEL; I35del; G6PD Sunderland; c.192CAT[2], p.Ile66del (NM_000402.4); c.102CAT[2], p.Ile36del (NM_001042351.3); c.-16+4655ATG[2] (NM_001377312.1, NM_001377313.1); c.189+3594ATG[2] (NM_001099856.6); c.-16+3659ATG[2] (NM_001321396.3); short protein forms I66del, I36del.
Identifiers: ClinVar variation 10400 (VCV000010400.12), dbSNP rs137852338, ClinGen allele CA121014.

ClinVar aggregate classification (germline): Conflicting classifications of pathogenicity. Review status: criteria provided, conflicting classifications (1 of 4 stars). 3 submissions from 3 submitters: Likely pathogenic (1); Uncertain significance (1). 1 of the submissions does not count toward it. Last evaluated 2022-08-12.

Conditions:
G6PD SUNDERLAND.
Anemia, nonspherocytic hemolytic, due to G6PD deficiency (CNSHA1). Also called: Class I glucose-6-phosphate dehydrogenase deficiency; ANEMIA, CONGENITAL, NONSPHEROCYTIC HEMOLYTIC, 1; Hemolytic anemia due to G6PD deficiency; Favism, susceptibility to. Identifiers: Orphanet 466026, MedGen C2720289, MONDO:0010480, OMIM 300908.

Submissions (3):

Dunham Lab, University of Washington
Classification: Likely pathogenic for Anemia, nonspherocytic hemolytic, due to G6PD deficiency. Last evaluated: 2022-08-12. Review status: criteria provided, single submitter. Criteria: Bayesian ACMG Guidelines, 2018. Collection method: curation. Allele origin: unknown. Affected: yes.
Comment: Decreased activity in red blood cells of hemizygote (PS3). Leads to deletion of one amino acid (PM4) and is not observed in gnomAD (PM2). Post_P 0.989 (odds of pathogenicity 729.3, Prior_P 0.1).

ARUP Laboratories, Molecular Genetics and Genomics, ARUP Laboratories
Classification: Uncertain significance. Last evaluated: 2020-06-04. Review status: criteria provided, single submitter. Criteria: ARUP Molecular Germline Variant Investigation Process. Collection method: clinical testing. Allele origin: germline.
Comment: The G6PD c.108_110delCAT; p.Ile36del variant (rs137852338), also known as G6PD Sunderland or p.Ile66del on NM_000402.4, is reported in the literature in the hemizygous state in an individual affected with G6PD deficiency and chronic hemolytic anemia (MacDonald 1991). This variant deletes a single isoleucine residue leaving the rest of the protein in-frame. This variant is reported in ClinVar (Variation ID: 10400), and is absent from general population databases (Exome Variant Server, Genome Aggregation Database), indicating it is not a common polymorphism. However, given the lack of clinical and functional data, the significance of the p.Ile36del variant is uncertain at this time. References: MacDonald D et al. Deficiency in red blood cells. Nature. 1991;350(6314):115. References: MacDonald D et al. Deficiency in red blood cells. Nature. 1991;350(6314):115.

OMIM
Classification: other for G6PD SUNDERLAND. Last evaluated: 2013-10-24. Review status: no assertion criteria provided. Collection method: literature only. Allele origin: germline. Not counted in ClinVar's aggregate classification.

Literature cited by the submitters: PubMed 2005960 (cited by Dunham Lab, University of Washington and OMIM); PubMed 2758468 (cited by OMIM).